The following is an entry in ClinVar:

NM_000092.5(COL4A4):c.2383+3A>G

Gene: COL4A4 (collagen type IV alpha 4 chain; minus strand). Cytogenetic location: 2q36.3.
Variant type: single nucleotide variant.
Coding change: c.2383+3A>G on transcript NM_000092.5 (MANE Select); 3 bases into the intron after coding-DNA position 2383, A replaced by G.
Molecular consequence: intron variant.
Genome position (GRCh38, 1-based): chr2:227,059,402, T>C on the plus strand (A>G on the coding strand, the complement: COL4A4 is on the minus strand). VCF-style: chr2-227059402-T-C. GRCh37 (hg19) VCF-style: chr2-227924118-T-C.
Identifiers: ClinVar variation 1026027 (VCV001026027.5), dbSNP rs1351961379, ClinGen allele CA540306542.

ClinVar aggregate classification (germline): Uncertain significance. Review status: criteria provided, multiple submitters, no conflicts (2 of 4 stars). 3 submissions from 3 submitters: Uncertain significance (2). 1 of the submissions does not count toward it. Last evaluated 2025-09-24.

Conditions:
Alport syndrome. Also called: Hemorrhagic familial nephritis; Hemorrhagic hereditary nephritis; Congenital hereditary hematuria. Identifiers: Orphanet 63, MedGen C1567741, MONDO:0018965.

Allele frequency attached by ClinVar (database versions not stated): gnomAD exomes below 0.00001; TOPMed below 0.00001; gnomAD 0.00001.
gnomAD v4.1: 3 of 1,613,370 alleles (0.00019%); highest among the groups gnomAD compares: Admixed American, 0.005%; no homozygotes.

Submissions (3):

Labcorp Genetics (formerly Invitae), Labcorp
Classification: Uncertain significance. Last evaluated: 2025-09-24. Review status: criteria provided, single submitter. Criteria: Invitae Variant Classification Sherloc (09022015). Collection method: clinical testing. Allele origin: germline.
Comment: This sequence change falls in intron 28 of the COL4A4 gene. It does not directly change the encoded amino acid sequence of the COL4A4 protein. It affects a nucleotide within the consensus splice site. This variant is present in population databases (no rsID available, gnomAD 0.006%). This variant has not been reported in the literature in individuals affected with COL4A4-related conditions. ClinVar contains an entry for this variant (Variation ID: 1026027). Variants that disrupt the consensus splice site are a relatively common cause of aberrant splicing (PMID: 17576681, 9536098). Algorithms developed to predict the effect of sequence changes on RNA splicing suggest that this variant may disrupt the consensus splice site. In summary, the available evidence is currently insufficient to determine the role of this variant in disease. Therefore, it has been classified as a Variant of Uncertain Significance.

Women's Health and Genetics/Laboratory Corporation of America, LabCorp
Classification: Uncertain significance. Last evaluated: 2024-09-15. Review status: criteria provided, single submitter. Criteria: LabCorp Variant Classification Summary - May 2015. Collection method: clinical testing. Allele origin: germline.

Natera, Inc.
Classification: Uncertain significance for Alport syndrome. Last evaluated: 2020-07-13. Review status: no assertion criteria provided. Collection method: clinical testing. Allele origin: germline. Not counted in ClinVar's aggregate classification.

Literature cited by the submitters: PubMed 17576681 (cited by Labcorp Genetics (formerly Invitae), Labcorp); PubMed 9536098 (cited by Labcorp Genetics (formerly Invitae), Labcorp).